The following is an entry in ClinVar:

NM_000088.4(COL1A1):c.1002+5del

Gene: COL1A1 (collagen type I alpha 1 chain; minus strand). Cytogenetic location: 17q21.33.
Variant type: Deletion.
Coding change: c.1002+5del on transcript NM_000088.4 (MANE Select); 5 bases into the intron after coding-DNA position 1002, one base deleted (G; older notation c.1002+5delG).
Molecular consequence: intron variant.
Genome position (GRCh38, 1-based): chr17:50,196,150, C deleted on the plus strand (G on the coding strand, the reverse complement: COL1A1 is on the minus strand). VCF-style (leftmost placement, unchanged base first): chr17-50196149-AC-A. GRCh37 (hg19) VCF-style: chr17-48273510-AC-A.
Identifiers: ClinVar variation 3340283 (VCV003340283.1).

ClinVar aggregate classification (germline): Uncertain significance (1 of 4 stars; one submission).

Submission:

GeneDx
Classification: Uncertain significance. Last evaluated: 2023-11-22. Review status: criteria provided, single submitter. Criteria: GeneDx Variant Classification Process June 2021. Collection method: clinical testing. Allele origin: germline. Affected: yes.
Comment: Not observed at significant frequency in large population cohorts (gnomAD); Intronic +5 splice site variant in a gene for which loss of function is a known mechanism of disease, and both splice predictors and evolutionary conservation support a deleterious effect, although in the absence of functional evidence the actual effect of this sequence change is unknown; This variant is associated with the following publications: (PMID: 27509835)